The following is an entry in ClinVar:

Single allele

Genes: CEP89 (centrosomal protein 89; minus strand), SLC7A9 (solute carrier family 7 member 9; minus strand). Cytogenetic location: 19q13.11.
Variant type: Deletion.
Identifiers: ClinVar variation 560031 (VCV000560031.3).

ClinVar aggregate classification (germline): Likely pathogenic (1 of 4 stars; one submission).

Conditions:
Cystinuria (CSNU). Also called: Cystinuria, non-type I; CYSTINURIA, TYPE I; CYSTINURIA, TYPE II; CYSTINURIA, TYPE III. Identifiers: Orphanet 214, MedGen C0010691, MONDO:0009067, OMIM 220100, HP:0003131.

Submission:

Geisinger Autism and Developmental Medicine Institute, Geisinger Health System
Classification: Likely pathogenic for Cystinuria. Last evaluated: 2016-06-16. Review status: criteria provided, single submitter. Criteria: ACMG CNV Guidelines, 2011. Collection method: provider interpretation. Allele origin: maternal. Affected: no.
Comment: This result indicates carrier status for cystinuria, at minimum. Additionally, 3 variants of uncertain significance were identified by exome sequencing.